The following is an entry in ClinVar:

ClinVar aggregate classification (germline): Likely benign. Review status: criteria provided, multiple submitters, no conflicts (2 of 4 stars). 3 submissions from 3 submitters: Likely benign (2). 1 of the submissions does not count toward it. Last evaluated 2025-05-05.

Conditions:
DCTN1-related disorder. Also called: DCTN1-related condition.
Neuronopathy, distal hereditary motor, type 7B. Also called: NEURONOPATHY, DISTAL HEREDITARY MOTOR, AUTOSOMAL DOMINANT 14; NEURONOPATHY, DISTAL HEREDITARY MOTOR, HARDING TYPE VIIB; NEUROPATHY, DISTAL HEREDITARY MOTOR, HARDING TYPE VIIB; NEUROPATHY, DISTAL HEREDITARY MOTOR, WITH VOCAL CORD PARALYSIS, HARDING TYPE VIIB; HMN VIIB; LOWER MOTOR NEURON DISEASE, DYNACTIN TYPE. Identifiers: Orphanet 139589, MedGen C1843315, MONDO:0011879, OMIM 607641.
Perry syndrome. Also called: PARKINSONISM WITH ALVEOLAR HYPOVENTILATION AND MENTAL DEPRESSION. Identifiers: Orphanet 178509, MedGen C1868594, MONDO:0008201, OMIM 168605.
Amyotrophic lateral sclerosis type 1 (ALS1). Also called: AMYOTROPHIC LATERAL SCLEROSIS 1, FAMILIAL. Identifiers: Orphanet 803, MedGen C1862939, MONDO:0007103, OMIM 105400.

gnomAD v4.1: 13 of 1,614,144 alleles (0.00081%); highest among the groups gnomAD compares: Non-Finnish European, 0.0011%; no homozygotes.

Submissions (3):

Mayo Clinic Laboratories, Mayo Clinic
Classification: Likely benign. Last evaluated: 2025-05-05. Review status: criteria provided, single submitter. Criteria: ACMG Guidelines, 2015. Collection method: clinical testing. Allele origin: germline. Observed: 1 variant allele.
Comment: BP4, BP7

Labcorp Genetics (formerly Invitae), Labcorp
Classification: Likely benign for Amyotrophic lateral sclerosis type 1; Neuronopathy, distal hereditary motor, type 7B; Perry syndrome. Last evaluated: 2024-09-08. Review status: criteria provided, single submitter. Criteria: Invitae Variant Classification Sherloc (09022015). Collection method: clinical testing. Allele origin: germline.

PreventionGenetics, part of Exact Sciences
Classification: Likely benign for DCTN1-related condition. Last evaluated: 2022-12-06. Review status: no assertion criteria provided. Collection method: clinical testing. Allele origin: germline. Not counted in ClinVar's aggregate classification.
Comment: This variant is classified as likely benign based on ACMG/AMP sequence variant interpretation guidelines (Richards et al. 2015 PMID: 25741868, with internal and published modifications).

NM_004082.5(DCTN1):c.3783G>T (p.Arg1261=)

Gene: DCTN1 (dynactin subunit 1; minus strand). Cytogenetic location: 2p13.1.
Variant type: single nucleotide variant.
Coding change: c.3783G>T on transcript NM_004082.5 (MANE Select); coding-DNA position 3783, G replaced by T.
Protein change: p.Arg1261=; no amino-acid change (arginine 1261 retained).
Molecular consequence: synonymous variant. On other transcripts: non-coding transcript variant (1).
Genome position (GRCh38, 1-based): chr2:74,361,553, C>A on the plus strand (G>T on the coding strand, the complement: DCTN1 is on the minus strand). VCF-style: chr2-74361553-C-A. GRCh37 (hg19) VCF-style: chr2-74588680-C-A.
Other names: p.Arg1261=; c.3708G>T, p.Arg1236= (NM_001135040.3); c.3366G>T, p.Arg1122= (NM_001135041.3); c.3657G>T, p.Arg1219= (NM_001190836.2); c.3762G>T, p.Arg1254= (NM_001190837.2); c.3732G>T, p.Arg1244= (NM_001378991.1); c.3714G>T, p.Arg1238= (NM_001378992.1); c.3381G>T, p.Arg1127= (NM_023019.4).
Identifiers: ClinVar variation 760863 (VCV000760863.12), dbSNP rs779676968, ClinGen allele CA426812283.